The following is an entry in ClinVar:

NM_152419.3(HGSNAT):c.12G>A (p.Ala4=)

Genes: HGSNAT (heparan-alpha-glucosaminide N-acetyltransferase; plus strand), LOC130000316 (ATAC-STARR-seq lymphoblastoid silent region 19164; plus strand). Cytogenetic location: 8p11.21.
Variant type: single nucleotide variant.
Coding change: c.12G>A on transcript NM_152419.3 (MANE Select); coding-DNA position 12, G replaced by A.
Protein change: p.Ala4=; no amino-acid change (alanine 4 retained).
Molecular consequence: synonymous variant. On other transcripts: 5 prime UTR variant (1).
Genome position (GRCh38, 1-based): chr8:43,140,508, G>A. VCF-style: chr8-43140508-G-A. GRCh37 (hg19) VCF-style: chr8-42995651-G-A.
Other names: c.12G>A, p.Ala4= (NM_001363227.2, NM_001363228.2); c.-822G>A (NM_001363229.2).
Identifiers: ClinVar variation 761828 (VCV000761828.13), dbSNP rs1018475767, ClinGen allele CA176095909.

ClinVar aggregate classification (germline): Likely benign. Review status: criteria provided, multiple submitters, no conflicts (2 of 4 stars). 4 submissions from 4 submitters: Likely benign (3). 1 of the submissions does not count toward it. Last evaluated 2026-01-31.

Conditions:
Mucopolysaccharidosis, MPS-III-C (MPS3C). Also called: MUCOPOLYSACCHARIDOSIS, TYPE IIIC; mucopolysaccharidosis type 3C; SANFILIPPO SYNDROME C; MPS III C; MPS IIIC (Sanfilippo Syndrome Type C); Mucopolysaccharidosis type IIIC (Sanfilippo C). Identifiers: Orphanet 581, Orphanet 79271, MedGen C0086649, MONDO:0009657, OMIM 252930.
Retinitis pigmentosa 73 (RP73). Identifiers: Orphanet 791, MedGen C4225287, MONDO:0014687, OMIM 616544.
HGSNAT-related disorder. Also called: HGSNAT-related condition.

Allele frequency attached by ClinVar (database versions not stated): 1000 Genomes Project 30x 0.00109; gnomAD 0.00061; gnomAD exomes 0.00004; TOPMed 0.00083.
gnomAD v4.1: 155 of 1,058,390 alleles (0.015%); highest among the groups gnomAD compares: African/African-American, 0.25%; 1 homozygote.

Submissions (4):

Labcorp Genetics (formerly Invitae), Labcorp
Classification: Likely benign for Retinitis pigmentosa 73; Mucopolysaccharidosis, MPS-III-C. Last evaluated: 2026-01-31. Review status: criteria provided, single submitter. Criteria: Invitae Variant Classification Sherloc (09022015). Collection method: clinical testing. Allele origin: germline.

PreventionGenetics, part of Exact Sciences
Classification: Likely benign for HGSNAT-related condition. Last evaluated: 2025-06-17. Review status: criteria provided, single submitter. Criteria: ACMG Guidelines, 2015. Collection method: clinical testing. Allele origin: germline.
Comment: This variant is classified as likely benign based on ACMG/AMP sequence variant interpretation guidelines (Richards et al. 2015 PMID: 25741868, with internal and published modifications).

Blueprint Genetics
Classification: Likely benign. Last evaluated: 2024-07-02. Review status: criteria provided, single submitter. Criteria: ACMG Guidelines, 2015. Collection method: clinical testing. Allele origin: germline.

Natera, Inc.
Classification: Uncertain significance for Mucopolysaccharidosis type IIIC. Last evaluated: 2019-11-11. Review status: no assertion criteria provided. Collection method: clinical testing. Allele origin: germline. Not counted in ClinVar's aggregate classification.